The following continues an entry in ClinVar:

NM_024675.4(PALB2):c.757_758del (p.Leu253fs)

Gene: PALB2. ClinVar aggregate classification (germline): Pathogenic. Pathogenic (28).

Submissions 12 to 30 of 30:

Color Diagnostics, LLC DBA Color Health
Classification: Pathogenic for Hereditary cancer-predisposing syndrome. Last evaluated: 2022-12-21. Review status: criteria provided, single submitter. Criteria: ACMG Guidelines, 2015. Collection method: clinical testing. Allele origin: germline.
Comment: This variant deletes 2 nucleotides in exon 4 of the PALB2 gene, creating a frameshift and premature translation stop signal. This variant is expected to result in an absent or non-functional protein product. To our knowledge, functional studies have not been reported for this variant. This variant has been reported in at least 10 individuals affected with breast, peritoneal and endometrial cancer and one unaffected individual (PMID: 21285249, 22006311, 23935381, 25186627, 26681312, 26845104, 33471991; Leiden Open Variation Database DB-ID PALB2_000005) and an individual affected with medulloblastoma (PMID: 29753700). This variant also has been reported in trans with another pathogenic PALB2 variant in an individual affected with biallelic Fanconi anemia (PMID: 17200671). This variant has been identified in 2/251366 chromosomes in the general population by the Genome Aggregation Database (gnomAD). Loss of PALB2 function is a known mechanism of disease. Based on the available evidence, this variant is classified as Pathogenic.

Greenwood Genetic Center Diagnostic Laboratories, Greenwood Genetic Center
Classification: Pathogenic for Familial cancer of breast. Last evaluated: 2022-08-18. Review status: criteria provided, single submitter. Criteria: ACMG Guidelines, 2015. Collection method: clinical testing. Allele origin: germline.
Comment: PVS1, PM2, PS4_Strong

CeGaT Center for Human Genetics Tuebingen
Classification: Pathogenic. Last evaluated: 2022-07-01. Review status: criteria provided, single submitter. Criteria: CeGaT Center For Human Genetics Tuebingen Variant Classification Criteria Version 2. Collection method: clinical testing. Allele origin: germline. Affected: yes. Observed: 5 variant alleles.
Comment: PALB2: PVS1, PM2

Department of Pathology and Laboratory Medicine, Sinai Health System
Classification: Pathogenic for Breast-ovarian cancer, familial, susceptibility to, 5. Last evaluated: 2022-01-25. Review status: criteria provided, single submitter. Criteria: ACMG Guidelines, 2015. Collection method: clinical testing. Allele origin: germline. Affected: yes.

Fulgent Genetics
Classification: Pathogenic for Familial cancer of breast; Fanconi anemia complementation group N; Pancreatic cancer, susceptibility to, 3. Last evaluated: 2021-12-27. Review status: criteria provided, single submitter. Criteria: ACMG Guidelines, 2015. Collection method: clinical testing. Allele origin: unknown.

MGZ Medical Genetics Center
Classification: Pathogenic for Familial cancer of breast. Last evaluated: 2021-10-01. Review status: criteria provided, single submitter. Criteria: ACMG Guidelines, 2015. Collection method: clinical testing. Allele origin: germline. Affected: yes. Observed: 1 variant allele.
Comment: ACMG criteria applied: PVS1, PS4, PM3, PM2_SUP

Quest Diagnostics Nichols Institute San Juan Capistrano
Classification: Pathogenic. Last evaluated: 2021-07-23. Review status: criteria provided, single submitter. Criteria: Quest Diagnostics criteria. Collection method: clinical testing. Allele origin: unknown.
Comment: This frameshift variant causes the premature termination of PALB2 protein synthesis. In addition, it has been reported in individuals with breast or endometrial cancer in the published literature (PMIDs: 26898890 (2016), 26681312 (2015) and 21285249 (2011)). Based on the available information, this variant is classified as pathogenic.

Sema4
Classification: Pathogenic for Hereditary cancer-predisposing syndrome. Last evaluated: 2021-06-23. Review status: criteria provided, single submitter. Criteria: Sema4 Curation Guidelines. Collection method: curation. Allele origin: germline.
Comment: The PALB2 c.757_758del (p.L253IfsX3) has been reported in individuals with breast cancer, endometrial, peritoneal, or gastric cancers (PMID: 29706558, 26681312, 25186627, 26845104, 22006311, 21285249). This variant has also been reported as compound heterozygous in at least one individual with Fanconi anaemia, N type (PMID: 17200671).This variant causes a frameshift at amino acid 253 that results in premature termination 3 amino acids downstream. At this location, this is predicted to cause nonsense-mediated decay and result in an absent protein (loss of function). This variant was observed in 2/113690 chromosomes in the Non-Finnish European population according to the Genome Aggregation Database (PMID: 32461654). This variant has been reported in ClinVar (Variation ID: 126768). Based on the current evidence available, this variant is interpreted as pathogenic.

Institute of Medical Genetics and Applied Genomics, University Hospital Tübingen
Classification: Pathogenic. Last evaluated: 2020-10-23. Review status: criteria provided, single submitter. Criteria: ACMG Guidelines, 2015. Collection method: clinical testing. Allele origin: germline. Inheritance: Unknown mechanism. Affected: yes.

GeneDx
Classification: Pathogenic. Last evaluated: 2020-08-31. Review status: criteria provided, single submitter. Criteria: GeneDx Variant Classification Process June 2021. Collection method: clinical testing. Allele origin: germline. Affected: yes.
Comment: Frameshift variant predicted to result in protein truncation or nonsense mediated decay in a gene for which loss-of-function is a known mechanism of disease; Not observed at a significant frequency in large population cohorts (Lek 2016); Observed in several individuals with personal and/or family history of PALB2-related cancers (Jones 2009, Casadei 2011, Tung 2014, Caminsky 2016, Shirts 2016); This variant is associated with the following publications: (PMID: 23935381, 29753700, 26681312, 29706558, 19264984, 22006311, 21285249, 24240112, 25186627, 25099575, 21165770, 26898890, 26845104, 28152038, 17200671, 31159747)

Genetics and Molecular Pathology, SA Pathology
Classification: Pathogenic for Familial cancer of breast. Last evaluated: 2020-05-12. Review status: criteria provided, single submitter. Criteria: ACMG Guidelines, 2015. Collection method: clinical testing. Allele origin: germline. Affected: yes.

GeneKor MSA
Classification: Pathogenic for Hereditary cancer-predisposing syndrome. Last evaluated: 2020-01-01. Review status: criteria provided, single submitter. Criteria: ACMG Guidelines, 2015. Collection method: clinical testing. Allele origin: germline. Affected: yes.
Comment: This mutation is a 2 nucleotide deletion in exon 4 of the PALB2 gene. This result in a frameshift and the creation of a premature stop codon three amino acid residues later. This mutation has been described in international literature.

Revvity Omics, Revvity
Classification: Pathogenic. Last evaluated: 2019-07-06. Review status: criteria provided, single submitter. Criteria: ACMG Guidelines, 2015. Collection method: clinical testing. Allele origin: germline.

Women's Health and Genetics/Laboratory Corporation of America, LabCorp
Classification: Pathogenic for Familial cancer of breast. Last evaluated: 2018-08-03. Review status: criteria provided, single submitter. Criteria: LabCorp Variant Classification Summary - May 2015. Collection method: clinical testing. Allele origin: germline.
Comment: Variant summary: PALB2 c.757_758delCT (p.Leu253IlefsX3) results in a premature termination codon, predicted to cause a truncation of the encoded protein or absence of the protein due to nonsense mediated decay, which are commonly known mechanisms for disease. Truncations downstream of this position have been classified as pathogenic by our laboratory (eg. c.1240C>T/p.Arg414X, c.2167_2168delAT/p.Met723fsX21). The variant allele was found at a frequency of 8.2e-06 in 123596 control chromosomes. c.757_758delCT has been reported in the literature in multiple individuals affected with Hereditary Breast and Ovarian Cancer in heterozygous state and one individual with Fanconi anemia in compound heterozygous state (Walsh_2011, Casedei_2011, Tung_2015). These data indicate that the variant is very likely to be associated with disease. Seven ClinVar submissions from other clinical diagnostic laboratories (evaluation after 2014) cite the variant as "pathogenic." Based on the evidence outlined above, the variant was classified as pathogenic.

University of Washington Department of Laboratory Medicine, University of Washington
Classification: Pathogenic for Hereditary cancer-predisposing syndrome. Last evaluated: 2015-11-20. Review status: criteria provided, single submitter. Criteria: Shirts et al. (Genet Med 2016). Collection method: clinical testing. Allele origin: germline. Affected: yes. Observed: 1 variant allele.

Genetic Services Laboratory, University of Chicago
Classification: Pathogenic for Fanconi anemia, complementation group N. Last evaluated: 2015-03-04. Review status: criteria provided, single submitter. Criteria: ACMG Guidelines, 2015. Collection method: clinical testing. Allele origin: germline. Affected: yes.

Juno Genomics, Hangzhou Juno Genomics, Inc
Classification: Pathogenic for Breast-ovarian cancer, familial, susceptibility to, 5; Pancreatic cancer, susceptibility to, 3; Fanconi anemia complementation group N. Review status: criteria provided, single submitter. Criteria: ACMG Guidelines, 2015. Collection method: clinical testing. Allele origin: germline.
Comment: Null variant in a gene where loss of function (LOF) is a known mechanism of disease.;For recessive disorders, detected in trans with a pathogenic variant.

Leiden Open Variation Database
Classification: Pathogenic. Last evaluated: 2019-05-13. Review status: no assertion criteria provided. Collection method: curation. Allele origin: germline. Affected: yes. Not counted in ClinVar's aggregate classification.
Comment: Curators: Marc Tischkowitz, Arleen D. Auerbach. Submitters to LOVD: Arleen D. Auerbach, LOVD-team, but with Curator vacancy, Marc Tischkowitz.

Counsyl
Classification: Pathogenic for Familial cancer of breast. Last evaluated: 2016-11-09. Review status: no assertion criteria provided. Collection method: clinical testing. Allele origin: unknown. Not counted in ClinVar's aggregate classification.

Literature cited by the submitters: PubMed 17200668 (cited by Labcorp Genetics (formerly Invitae), Labcorp); PubMed 17200671 (cited by 8 submitters); PubMed 17200672 (cited by Labcorp Genetics (formerly Invitae), Labcorp); PubMed 24136930 (cited by Labcorp Genetics (formerly Invitae), Labcorp); PubMed 25099575 (cited by 3 submitters); PubMed 21285249 (cited by 9 submitters); PubMed 22006311 (cited by 9 submitters); PubMed 26845104 (cited by 4 submitters); PubMed 26898890 (cited by Labcorp Genetics (formerly Invitae), Labcorp and Quest Diagnostics Nichols Institute San Juan Capistrano); PubMed 17420451 (cited by Ambry Genetics); PubMed 21165770 (cited by Ambry Genetics); PubMed 23935381 (cited by Ambry Genetics and Color Diagnostics, LLC DBA Color Health); PubMed 24870022 (cited by Ambry Genetics); PubMed 25186627 (cited by 7 submitters); PubMed 29753700 (cited by 4 submitters); PubMed 26681312 (cited by 4 submitters); PubMed 33471991 (cited by Color Diagnostics, LLC DBA Color Health); PubMed 31159747 (cited by Quest Diagnostics Nichols Institute San Juan Capistrano); PubMed 29706558 (cited by Quest Diagnostics Nichols Institute San Juan Capistrano and Sema4); PubMed 32853479 (cited by Quest Diagnostics Nichols Institute San Juan Capistrano); PubMed 19264984 (cited by Leiden Open Variation Database); PubMed 24240112 (cited by Leiden Open Variation Database).